The following is an entry in ClinVar:

NM_003036.4(SKI):c.450C>T (p.Cys150=)

Gene: SKI (SKI proto-oncogene; plus strand). Cytogenetic location: 1p36.33.
Variant type: single nucleotide variant.
Coding change: c.450C>T on transcript NM_003036.4 (MANE Select); coding-DNA position 450, C replaced by T.
Protein change: p.Cys150=; no amino-acid change (cysteine 150 retained).
Molecular consequence: synonymous variant.
Genome position (GRCh38, 1-based): chr1:2,229,216, C>T. VCF-style: chr1-2229216-C-T. GRCh37 (hg19) VCF-style: chr1-2160655-C-T.
Identifiers: ClinVar variation 701048 (VCV000701048.13), dbSNP rs538703800, ClinGen allele CA536394.

ClinVar aggregate classification (germline): Likely benign. Review status: criteria provided, multiple submitters, no conflicts (2 of 4 stars). 5 submissions from 5 submitters: Likely benign (4). 1 of the submissions does not count toward it. Last evaluated 2026-07-01.

Conditions:
SKI-related disorder. Also called: SKI-related condition.
Familial thoracic aortic aneurysm and aortic dissection (TAAD). Also called: Thoracic aortic aneurysms and dissections. Identifiers: Orphanet 91387, MedGen C4707243, MONDO:0019625.
Shprintzen-Goldberg syndrome (SGS). Also called: SHPRINTZEN-GOLDBERG CRANIOSYNOSTOSIS SYNDROME; CRANIOSYNOSTOSIS WITH ARACHNODACTYLY AND ABDOMINAL HERNIAS; Marfanoid disorder with craniosynostosis type 1; Marfanoid craniosynostosis syndrome; Shprintzen-Goldberg marfanoid syndrome. Identifiers: Orphanet 2462, MedGen C1321551, MONDO:0008426, OMIM 182212.

Allele frequency attached by ClinVar (database versions not stated): gnomAD 0.00001; gnomAD exomes 0.00001 and 0.00005; TOPMed 0.00002; ExAC 0.00007.
gnomAD v4.1: 15 of 1,609,258 alleles (0.00093%); highest among the groups gnomAD compares: Admixed American, 0.02%; no homozygotes.

Submissions (5):

CeGaT Center for Human Genetics Tuebingen
Classification: Likely benign. Last evaluated: 2026-07-01. Review status: criteria provided, single submitter. Criteria: CeGaT Center For Human Genetics Tuebingen Variant Classification Criteria Version 2. Collection method: clinical testing. Allele origin: germline. Affected: yes. Observed: 1 variant allele.
Comment: SKI: BP4, BS2

Labcorp Genetics (formerly Invitae), Labcorp
Classification: Likely benign for Shprintzen-Goldberg syndrome. Last evaluated: 2025-11-04. Review status: criteria provided, single submitter. Criteria: Invitae Variant Classification Sherloc (09022015). Collection method: clinical testing. Allele origin: germline.

Ambry Genetics
Classification: Likely benign for Familial thoracic aortic aneurysm and aortic dissection. Last evaluated: 2025-01-29. Review status: criteria provided, single submitter. Criteria: Ambry Variant Classification Scheme 2023. Collection method: clinical testing. Allele origin: germline.

GeneDx
Classification: Likely benign. Last evaluated: 2018-09-28. Review status: criteria provided, single submitter. Criteria: GeneDx Variant Classification Process June 2021. Collection method: clinical testing. Allele origin: germline. Affected: yes.

PreventionGenetics, part of Exact Sciences
Classification: Likely benign for SKI-related condition. Last evaluated: 2023-06-22. Review status: no assertion criteria provided. Collection method: clinical testing. Allele origin: germline. Not counted in ClinVar's aggregate classification.
Comment: This variant is classified as likely benign based on ACMG/AMP sequence variant interpretation guidelines (Richards et al. 2015 PMID: 25741868, with internal and published modifications).